The following is an entry in ClinVar:

NM_000287.4(PEX6):c.2666+5G>A

Gene: PEX6 (peroxisomal biogenesis factor 6; minus strand). Cytogenetic location: 6p21.1.
Variant type: single nucleotide variant.
Coding change: c.2666+5G>A on transcript NM_000287.4 (MANE Select); 5 bases into the intron after coding-DNA position 2666, G replaced by A.
Molecular consequence: intron variant.
Genome position (GRCh38, 1-based): chr6:42,965,070, C>T on the plus strand (G>A on the coding strand, the complement: PEX6 is on the minus strand). VCF-style: chr6-42965070-C-T. GRCh37 (hg19) VCF-style: chr6-42932808-C-T.
Other names: c.2402+5G>A (NM_001316313.2).
Identifiers: ClinVar variation 1403178 (VCV001403178.5), dbSNP rs1332626624, ClinGen allele CA567150088.

ClinVar aggregate classification (germline): Uncertain significance. Review status: criteria provided, multiple submitters, no conflicts (2 of 4 stars). 2 submissions from 2 submitters: Uncertain significance (2). Last evaluated 2024-10-25.

Conditions:
Peroxisome biogenesis disorder. Identifiers: Orphanet 79189, MedGen C1832200, MONDO:0019234. Disease mechanism: loss of function.

Allele frequency attached by ClinVar (database versions not stated): gnomAD exomes below 0.00001 and 0.00001.
gnomAD v4.1: 5 of 1,614,082 alleles (0.00031%); highest among the groups gnomAD compares: Non-Finnish European, 0.00034%; no homozygotes.

Submissions (2):

Labcorp Genetics (formerly Invitae), Labcorp
Classification: Uncertain significance for Peroxisome biogenesis disorder. Last evaluated: 2024-10-25. Review status: criteria provided, single submitter. Criteria: Invitae Variant Classification Sherloc (09022015). Collection method: clinical testing. Allele origin: germline.
Comment: This sequence change falls in intron 15 of the PEX6 gene. It does not directly change the encoded amino acid sequence of the PEX6 protein. It affects a nucleotide within the consensus splice site. This variant is present in population databases (no rsID available, gnomAD 0.0009%). This variant has not been reported in the literature in individuals affected with PEX6-related conditions. ClinVar contains an entry for this variant (Variation ID: 1403178). Variants that disrupt the consensus splice site are a relatively common cause of aberrant splicing (PMID: 17576681, 9536098). Algorithms developed to predict the effect of sequence changes on RNA splicing suggest that this variant may disrupt the consensus splice site. In summary, the available evidence is currently insufficient to determine the role of this variant in disease. Therefore, it has been classified as a Variant of Uncertain Significance.

Blueprint Genetics
Classification: Uncertain significance. Last evaluated: 2022-06-21. Review status: criteria provided, single submitter. Criteria: ACMG Guidelines, 2015. Collection method: clinical testing. Allele origin: germline.

Literature cited by the submitters: PubMed 17576681 (cited by Labcorp Genetics (formerly Invitae), Labcorp); PubMed 9536098 (cited by Labcorp Genetics (formerly Invitae), Labcorp).